The following is an entry in ClinVar:

ClinVar aggregate classification (germline): Likely benign (1 of 4 stars; one submission).

Submission:

CeGaT Center for Human Genetics Tuebingen
Classification: Likely benign. Last evaluated: 2026-06-01. Review status: criteria provided, single submitter. Criteria: CeGaT Center For Human Genetics Tuebingen Variant Classification Criteria Version 2. Collection method: clinical testing. Allele origin: germline. Affected: yes. Observed: 1 variant allele.
Comment: GJC2: PM2:Supporting, BP4, BP7

NM_020435.4(GJC2):c.1242G>T (p.Arg414=)

Gene: GJC2 (gap junction protein gamma 2; plus strand). Cytogenetic location: 1q42.13.
Variant type: single nucleotide variant.
Coding change: c.1242G>T on transcript NM_020435.4 (MANE Select); coding-DNA position 1242, G replaced by T.
Protein change: p.Arg414=; no amino-acid change (arginine 414 retained).
Molecular consequence: synonymous variant.
Genome position (GRCh38, 1-based): chr1:228,159,000, G>T. VCF-style: chr1-228159000-G-T. GRCh37 (hg19) VCF-style: chr1-228346701-G-T.
Identifiers: ClinVar variation 4875374 (VCV004875374.2).
Genomic context (GRCh38, chr1:228,159,000, plus strand): 5'-GGGCAGTGCTACCTCTGCGGGCACTGTCGGGGAGCAGGGCCGGCCCGGCACCCACGAGCG[G>T]CCAGGAGCCAAGCCCAGGGCTGGCTCCGAGAAGGGCAGTGCCAGCAGCAGGGACGGGAAG-3'
Protein context (NP_065168.2, residues 404-424): GEQGRPGTHE[Arg414=]PGAKPRAGSE